The following is an entry in ClinVar:

NM_014908.4(DOLK):c.292C>T (p.Arg98Trp)

Gene: DOLK (dolichol kinase; minus strand). Cytogenetic location: 9q34.11.
Variant type: single nucleotide variant.
Coding change: c.292C>T on transcript NM_014908.4 (MANE Select); coding-DNA position 292, C replaced by T.
Protein change: p.Arg98Trp; replaces arginine 98 with tryptophan.
Molecular consequence: missense variant.
Genome position (GRCh38, 1-based): chr9:128,947,012, G>A on the plus strand (C>T on the coding strand, the complement: DOLK is on the minus strand). VCF-style: chr9-128947012-G-A. GRCh37 (hg19) VCF-style: chr9-131709291-G-A.
Other names: short protein forms R98W.
Identifiers: ClinVar variation 568082 (VCV000568082.14), dbSNP rs747555089, ClinGen allele CA5271772.

ClinVar aggregate classification (germline): Uncertain significance. Review status: criteria provided, multiple submitters, no conflicts (2 of 4 stars). 4 submissions from 4 submitters: Uncertain significance (4). Last evaluated 2025-12-16.

Conditions:
Cardiovascular phenotype. Identifiers: MedGen CN230736.
DK1-congenital disorder of glycosylation. Also called: CONGENITAL DISORDER OF GLYCOSYLATION, TYPE Im; CDG Im; DK1 DEFICIENCY; DOLICHOL KINASE DEFICIENCY; DK1-CDG; DOLK-congenital disorder of glycosylation. Identifiers: Orphanet 91131, MedGen C1835849, MONDO:0012556, OMIM 610768.

Allele frequency attached by ClinVar (database versions not stated): gnomAD 0.00001; gnomAD exomes 0.00001; TOPMed 0.00001; ExAC 0.00002.
gnomAD v4.1: 7 of 1,610,952 alleles (0.00043%); highest among the groups gnomAD compares: South Asian, 0.0044%; no homozygotes.

Submissions (4):

Labcorp Genetics (formerly Invitae), Labcorp
Classification: Uncertain significance for DK1-congenital disorder of glycosylation. Last evaluated: 2025-12-16. Review status: criteria provided, single submitter. Criteria: Invitae Variant Classification Sherloc (09022015). Collection method: clinical testing. Allele origin: germline.
Comment: This sequence change replaces arginine, which is basic and polar, with tryptophan, which is neutral and slightly polar, at codon 98 of the DOLK protein (p.Arg98Trp). The frequency data for this variant in the population databases is considered unreliable, as metrics indicate poor data quality at this position in the gnomAD database. This variant has not been reported in the literature in individuals affected with DOLK-related conditions. ClinVar contains an entry for this variant (Variation ID: 568082). Invitae Evidence Modeling of protein sequence and biophysical properties (such as structural, functional, and spatial information, amino acid conservation, physicochemical variation, residue mobility, and thermodynamic stability) indicates that this missense variant is expected to disrupt DOLK protein function with a positive predictive value of 80%. In summary, the available evidence is currently insufficient to determine the role of this variant in disease. Therefore, it has been classified as a Variant of Uncertain Significance.

GeneDx
Classification: Uncertain significance. Last evaluated: 2024-09-16. Review status: criteria provided, single submitter. Criteria: GeneDx Variant Classification Process June 2021. Collection method: clinical testing. Allele origin: germline. Affected: yes.
Comment: Not observed at significant frequency in large population cohorts (gnomAD); In silico analysis indicates that this missense variant does not alter protein structure/function; Has not been previously published as pathogenic or benign to our knowledge

Fulgent Genetics
Classification: Uncertain significance for DK1-congenital disorder of glycosylation. Last evaluated: 2021-09-15. Review status: criteria provided, single submitter. Criteria: ACMG Guidelines, 2015. Collection method: clinical testing. Allele origin: unknown.

Ambry Genetics
Classification: Uncertain significance for Cardiovascular phenotype. Last evaluated: 2021-09-10. Review status: criteria provided, single submitter. Criteria: Ambry Variant Classification Scheme 2023. Collection method: clinical testing. Allele origin: germline.
Comment: The p.R98W variant (also known as c.292C>T), located in coding exon 1 of the DOLK gene, results from a C to T substitution at nucleotide position 292. The arginine at codon 98 is replaced by tryptophan, an amino acid with dissimilar properties. This amino acid position is conserved. In addition, the in silico prediction for this alteration is inconclusive. Since supporting evidence is limited at this time, the clinical significance of this alteration remains unclear.